The following is an entry in ClinVar:

ClinVar aggregate classification (germline): Pathogenic. Review status: criteria provided, multiple submitters, no conflicts (2 of 4 stars). 3 submissions from 3 submitters: Pathogenic (3). Last evaluated 2025-07-16.

Conditions:
Osteogenesis imperfecta (OI). Identifiers: Orphanet 666, MedGen C0029434, MeSH D010013, MONDO:0019019.
Osteogenesis imperfecta type I (OI1). Also called: OI, TYPE I; OSTEOGENESIS IMPERFECTA TARDA; OSTEOGENESIS IMPERFECTA WITH BLUE SCLERAE; Osteogenesis imperfecta type 1; Lobstein's Disease; Lobstein disease. Identifiers: Orphanet 216796, Orphanet 666, MedGen C0023931, MONDO:0008146, OMIM 166200. Disease mechanism: loss of function.

Submissions (3):

Clinical Biomedical Laboratory, Shriners Hospital For Children - Canada
Classification: Pathogenic for Osteogenesis imperfecta type I. Last evaluated: 2025-07-16. Review status: criteria provided, single submitter. Criteria: ACMG Guidelines, 2015. Collection method: clinical testing. Allele origin: germline. Affected: yes.
Comment: This variant introduces a premature stop codon in exon 13 of COL1A1 and is expected to lead to degradation of the affected transcript. Variants introducing premature termination codons that lead to nonsense mediated decay of the affected transcript and haploinsufficiency of the alpha 1 chain of collagen type I are a typical cause of OI type I. This variant is absent from Genome Aggregation Database v.2.1.1, indicating it is very rare. This variant has been reported in the literature as a cause of osteogenesis imperfecta (PMID: 33470886).

Labcorp Genetics (formerly Invitae), Labcorp
Classification: Pathogenic for Osteogenesis imperfecta type I. Last evaluated: 2025-01-06. Review status: criteria provided, single submitter. Criteria: Invitae Variant Classification Sherloc (09022015). Collection method: clinical testing. Allele origin: germline.
Comment: This sequence change creates a premature translational stop signal (p.Glu288*) in the COL1A1 gene. It is expected to result in an absent or disrupted protein product. Loss-of-function variants in COL1A1 are known to be pathogenic (PMID: 7942841, 9295084, 9443882). This variant is not present in population databases (gnomAD no frequency). This variant has not been reported in the literature in individuals affected with COL1A1-related conditions. ClinVar contains an entry for this variant (Variation ID: 456798). For these reasons, this variant has been classified as Pathogenic.

Women's Health and Genetics/Laboratory Corporation of America, LabCorp
Classification: Pathogenic for Osteogenesis imperfecta. Last evaluated: 2024-03-08. Review status: criteria provided, single submitter. Criteria: LabCorp Variant Classification Summary - May 2015. Collection method: clinical testing. Allele origin: germline.
Comment: Variant summary: COL1A1 c.862G>T (p.Glu288X) results in a premature termination codon, predicted to cause a truncation of the encoded protein or absence of the protein due to nonsense mediated decay, which are commonly known mechanisms for disease. The variant was absent in 251452 control chromosomes (gnomAD). c.862G>T has been reported in the literature in individuals affected with Osteogenesis Imperfecta (e.g. Ohata_2019). To our knowledge, no experimental evidence demonstrating an impact on protein function has been reported. The following publication has been ascertained in the context of this evaluation (PMID: 31363794). ClinVar contains an entry for this variant (Variation ID: 456798). Based on the evidence outlined above, the variant was classified as pathogenic.

Literature cited by the submitters: PubMed 33470886 (cited by Clinical Biomedical Laboratory, Shriners Hospital For Children - Canada); PubMed 7942841 (cited by Labcorp Genetics (formerly Invitae), Labcorp); PubMed 9295084 (cited by Labcorp Genetics (formerly Invitae), Labcorp); PubMed 9443882 (cited by Labcorp Genetics (formerly Invitae), Labcorp); PubMed 31363794 (cited by Women's Health and Genetics/Laboratory Corporation of America, LabCorp).

NM_000088.4(COL1A1):c.862G>T (p.Glu288Ter)

Genes: COL1A1 (collagen type I alpha 1 chain; minus strand), LOC126862586 (CDK7 strongly-dependent group 2 enhancer GRCh37_chr17:48273702-48274901; plus strand). Cytogenetic location: 17q21.33.
Variant type: single nucleotide variant.
Coding change: c.862G>T on transcript NM_000088.4 (MANE Select); coding-DNA position 862, G replaced by T.
Protein change: p.Glu288Ter; replaces glutamic acid 288 with a stop codon.
Molecular consequence: nonsense.
Genome position (GRCh38, 1-based): chr17:50,196,525, C>A on the plus strand (G>T on the coding strand, the complement: COL1A1 is on the minus strand). VCF-style: chr17-50196525-C-A. GRCh37 (hg19) VCF-style: chr17-48273886-C-A.
Other names: short protein forms E288*.
Identifiers: ClinVar variation 456798 (VCV000456798.12), dbSNP rs72645341, ClinGen allele CA400222280.